The following is an entry in ClinVar:

NM_001184.4(ATR):c.5783C>T (p.Ala1928Val)

Gene: ATR (ATR checkpoint kinase; minus strand). Cytogenetic location: 3q23.
Variant type: single nucleotide variant.
Coding change: c.5783C>T on transcript NM_001184.4 (MANE Select); coding-DNA position 5783, C replaced by T.
Protein change: p.Ala1928Val; replaces alanine 1928 with valine.
Molecular consequence: missense variant.
Genome position (GRCh38, 1-based): chr3:142,496,476, G>A on the plus strand (C>T on the coding strand, the complement: ATR is on the minus strand). VCF-style: chr3-142496476-G-A. GRCh37 (hg19) VCF-style: chr3-142215318-G-A.
Other names: c.5783C>T (NM_001184.3); c.5591C>T, p.Ala1864Val (NM_001354579.2); short protein forms A1864V, A1928V.
Identifiers: ClinVar variation 1057296 (VCV001057296.10), dbSNP rs2031652555, ClinGen allele CA354813793.

ClinVar aggregate classification (germline): Uncertain significance. Review status: criteria provided, multiple submitters, no conflicts (2 of 4 stars). 2 submissions from 2 submitters: Uncertain significance (2). Last evaluated 2023-07-01.

Conditions:
Inborn genetic diseases. Identifiers: MedGen C0950123, MeSH D030342.

Allele frequency attached by ClinVar (database versions not stated): gnomAD exomes below 0.00001; TOPMed below 0.00001; gnomAD 0.00001.
gnomAD v4.1: 2 of 1,611,970 alleles (0.00012%); highest among the groups gnomAD compares: Non-Finnish European, 0.00017%; no homozygotes.

Submissions (2):

Ambry Genetics
Classification: Uncertain significance for Inborn genetic diseases. Last evaluated: 2023-07-01. Review status: criteria provided, single submitter. Criteria: Ambry Variant Classification Scheme 2023. Collection method: clinical testing. Allele origin: germline.
Comment: The p.A1928V variant (also known as c.5783C>T), located in coding exon 34 of the ATR gene, results from a C to T substitution at nucleotide position 5783. The alanine at codon 1928 is replaced by valine, an amino acid with similar properties. This amino acid position is conserved. In addition, this alteration is predicted to be deleterious by in silico analysis. Since supporting evidence is limited at this time, the clinical significance of this alteration remains unclear.

Labcorp Genetics (formerly Invitae), Labcorp
Classification: Uncertain significance. Last evaluated: 2020-04-21. Review status: criteria provided, single submitter. Criteria: Invitae Variant Classification Sherloc (09022015). Collection method: clinical testing. Allele origin: germline.
Comment: This sequence change replaces alanine with valine at codon 1928 of the ATR protein (p.Ala1928Val). The alanine residue is highly conserved and there is a small physicochemical difference between alanine and valine. This variant is not present in population databases (ExAC no frequency). In summary, the available evidence is currently insufficient to determine the role of this variant in disease. Therefore, it has been classified as a Variant of Uncertain Significance. Algorithms developed to predict the effect of missense changes on protein structure and function (SIFT, PolyPhen-2, Align-GVGD) all suggest that this variant is likely to be disruptive, but these predictions have not been confirmed by published functional studies and their clinical significance is uncertain. This variant has not been reported in the literature in individuals with ATR-related conditions.